The following is an entry in ClinVar:

NM_015425.6(POLR1A):c.2018C>T (p.Pro673Leu)

Gene: POLR1A (RNA polymerase I subunit A; minus strand). Cytogenetic location: 2p11.2.
Variant type: single nucleotide variant.
Coding change: c.2018C>T on transcript NM_015425.6 (MANE Select); coding-DNA position 2018, C replaced by T.
Protein change: p.Pro673Leu; replaces proline 673 with leucine.
Molecular consequence: missense variant.
Genome position (GRCh38, 1-based): chr2:86,065,314, G>A on the plus strand (C>T on the coding strand, the complement: POLR1A is on the minus strand). VCF-style: chr2-86065314-G-A. GRCh37 (hg19) VCF-style: chr2-86292437-G-A.
Other names: short protein forms P673L.
Identifiers: ClinVar variation 2764672 (VCV002764672.3), dbSNP rs2466404072, ClinGen allele CA347545754.
Genomic context (GRCh38, chr2:86,065,314, plus strand): 5'-GGCTGTTCTCTCCCAATTACCTGTTTTCCTGTCCACAGCGGAAAGGGCTTCAGGATGGAA[G>A]GAGAAAGGAGCTTCACGCGCCCCACTTTGTCCGTGAGTCCTCGGTACACCAGCTCCATAT-3'
Protein context (NP_056240.2, residues 663-683): DKVGRVKLLS[Pro673Leu]SILKPFPLWT

ClinVar aggregate classification (germline): Uncertain significance (1 of 4 stars; one submission).

Submission:

Labcorp Genetics (formerly Invitae), Labcorp
Classification: Uncertain significance. Last evaluated: 2023-09-30. Review status: criteria provided, single submitter. Criteria: Invitae Variant Classification Sherloc (09022015). Collection method: clinical testing. Allele origin: germline.
Comment: This variant is not present in population databases (gnomAD no frequency). In summary, the available evidence is currently insufficient to determine the role of this variant in disease. Therefore, it has been classified as a Variant of Uncertain Significance. Advanced modeling of protein sequence and biophysical properties (such as structural, functional, and spatial information, amino acid conservation, physicochemical variation, residue mobility, and thermodynamic stability) performed at Invitae indicates that this missense variant is expected to disrupt POLR1A protein function. This variant has not been reported in the literature in individuals affected with POLR1A-related conditions. This sequence change replaces proline, which is neutral and non-polar, with leucine, which is neutral and non-polar, at codon 673 of the POLR1A protein (p.Pro673Leu).